The following is an entry in ClinVar:

NM_012213.3(MLYCD):c.520_528+11del

Genes: MLYCD (malonyl-CoA decarboxylase; plus strand), LOC130059555 (ATAC-STARR-seq lymphoblastoid silent region 7770; plus strand). Cytogenetic location: 16q23.3.
Variant type: Deletion.
Coding change: c.520_528+11del on transcript NM_012213.3 (MANE Select); coding-DNA position 520 through 11 bases into the intron after coding-DNA position 528, 20 bases deleted (GACGTCCGGGTAAGGGGCCG).
Molecular consequence: splice donor variant.
Genome position (GRCh38, 1-based): chr16:83,899,664-83,899,683, GACGTCCGGGTAAGGGGCCG deleted; deleting any 20 consecutive bases within chr16:83,899,656-83,899,683 gives the same sequence; the c. name uses the placement nearest the transcript's 3' end. VCF-style (leftmost placement, unchanged base first): chr16-83899655-GAGGGGCCGGACGTCCGGGTA-G. GRCh37 (hg19) VCF-style: chr16-83933260-GAGGGGCCGGACGTCCGGGTA-G.
Identifiers: ClinVar variation 2919673 (VCV002919673.3), dbSNP rs1243469712, ClinGen allele CA725031649.

ClinVar aggregate classification (germline): Likely pathogenic (1 of 4 stars; one submission).

Conditions:
Deficiency of malonyl-CoA decarboxylase. Also called: Malonic aciduria; MCD deficiency. Identifiers: Orphanet 943, MedGen C0342793, MONDO:0009556, OMIM 248360.

Submission:

Labcorp Genetics (formerly Invitae), Labcorp
Classification: Likely pathogenic for Deficiency of malonyl-CoA decarboxylase. Last evaluated: 2024-01-15. Review status: criteria provided, single submitter. Criteria: Invitae Variant Classification Sherloc (09022015). Collection method: clinical testing. Allele origin: germline.
Comment: This variant results in the deletion of part of exon 1 (c.520_528+11del) of the MLYCD gene. It is expected to disrupt RNA splicing. Variants that disrupt the donor or acceptor splice site typically lead to a loss of protein function (PMID: 16199547), and loss-of-function variants in MLYCD are known to be pathogenic (PMID: 12955715, 17186413). This variant is not present in population databases (gnomAD no frequency). This variant has not been reported in the literature in individuals affected with MLYCD-related conditions. In summary, the currently available evidence indicates that the variant is pathogenic, but additional data are needed to prove that conclusively. Therefore, this variant has been classified as Likely Pathogenic.

Literature cited by the submitters: PubMed 16199547; PubMed 12955715; PubMed 17186413.